The following is an entry in ClinVar:

NM_001008537.3(NEXMIF):c.1240A>G (p.Ser414Gly)

Gene: NEXMIF (neurite extension and migration factor; minus strand). Cytogenetic location: Xq13.3.
Variant type: single nucleotide variant.
Coding change: c.1240A>G on transcript NM_001008537.3 (MANE Select); coding-DNA position 1240, A replaced by G.
Protein change: p.Ser414Gly; replaces serine 414 with glycine.
Molecular consequence: missense variant.
Genome position (GRCh38, 1-based): chrX:74,743,317, T>C on the plus strand (A>G on the coding strand, the complement: NEXMIF is on the minus strand). VCF-style: chrX-74743317-T-C. GRCh37 (hg19) VCF-style: chrX-73963152-T-C.
Other names: short protein forms S414G.
Identifiers: ClinVar variation 1400750 (VCV001400750.6), dbSNP rs756683147, ClinGen allele CA10455134.

ClinVar aggregate classification (germline): Uncertain significance (1 of 4 stars; one submission).

Allele frequency attached by ClinVar (database versions not stated): ExAC 0.00001; TOPMed 0.00001; gnomAD 0.00002; gnomAD exomes 0.00002 and 0.00004.
gnomAD v4.1: 43 of 1,209,875 alleles (0.0036%); highest among the groups gnomAD compares: Non-Finnish European, 0.0047%; no homozygotes.

Submission:

Labcorp Genetics (formerly Invitae), Labcorp
Classification: Uncertain significance. Last evaluated: 2024-02-02. Review status: criteria provided, single submitter. Criteria: Invitae Variant Classification Sherloc (09022015). Collection method: clinical testing. Allele origin: germline.
Comment: This sequence change replaces serine, which is neutral and polar, with glycine, which is neutral and non-polar, at codon 414 of the NEXMIF protein (p.Ser414Gly). This variant is present in population databases (rs756683147, gnomAD 0.004%), including at least one homozygous and/or hemizygous individual. This variant has not been reported in the literature in individuals affected with NEXMIF-related conditions. ClinVar contains an entry for this variant (Variation ID: 1400750). Algorithms developed to predict the effect of missense changes on protein structure and function output the following: SIFT: "Not Available"; PolyPhen-2: "Benign"; Align-GVGD: "Not Available". The glycine amino acid residue is found in multiple mammalian species, which suggests that this missense change does not adversely affect protein function. In summary, the available evidence is currently insufficient to determine the role of this variant in disease. Therefore, it has been classified as a Variant of Uncertain Significance.